The following is an entry in ClinVar:

NM_004100.5(EYA4):c.1783A>C (p.Lys595Gln)

Genes: EYA4 (EYA transcriptional coactivator and phosphatase 4; plus strand), TARID (TCF21 antisense RNA inducing promoter demethylation; minus strand). Cytogenetic location: 6q23.2.
Variant type: single nucleotide variant.
Coding change: c.1783A>C on transcript NM_004100.5 (MANE Select); coding-DNA position 1783, A replaced by C.
Protein change: p.Lys595Gln; replaces lysine 595 with glutamine.
Molecular consequence: missense variant. On other transcripts: intron variant (3).
Genome position (GRCh38, 1-based): chr6:133,525,198, A>C. VCF-style: chr6-133525198-A-C. GRCh37 (hg19) VCF-style: chr6-133846336-A-C.
Other names: c.1801A>C, p.Lys601Gln (NM_001301013.2); c.1639A>C, p.Lys547Gln (NM_001370459.1); c.1714A>C, p.Lys572Gln (NM_172103.4); c.1839+83A>C (NM_172105.4); c.1770+83A>C (NM_001370458.1); c.1677+83A>C (NM_001301012.2); short protein forms K547Q, K572Q, K601Q, K595Q.
Identifiers: ClinVar variation 959716 (VCV000959716.14), dbSNP rs1344051266, ClinGen allele CA365700711.
Genomic context (GRCh38, chr6:133,525,198, plus strand): 5'-CTCATTTATCTTCCAGGAAAAGAAAGTTGCTTTGAACGAATAATGCAAAGGTTTGGCAGA[A>C]AAGTAGTGTATGTTGTAATTGGGGATGGTGTAGAAGAAGAACAGGCAGCAAAAAAGGTAA-3'
Protein context (NP_004091.3, residues 585-605): FERIMQRFGR[Lys595Gln]VVYVVIGDGV

ClinVar aggregate classification (germline): Uncertain significance. Review status: criteria provided, multiple submitters, no conflicts (2 of 4 stars). 3 submissions from 3 submitters: Uncertain significance (3). Last evaluated 2025-10-14.

Conditions:
Cardiovascular phenotype. Identifiers: MedGen CN230736.
Dilated cardiomyopathy 1J (CMD1J). Also called: CARDIOMYOPATHY, DILATED, WITH SENSORINEURAL HEARING LOSS, AUTOSOMAL DOMINANT. Identifiers: Orphanet 217622, MedGen C1854368, MONDO:0011541, OMIM 605362.

Allele frequency attached by ClinVar (database versions not stated): gnomAD exomes below 0.00001 and 0.00001.
gnomAD v4.1: 20 of 1,613,824 alleles (0.0012%); highest among the groups gnomAD compares: Non-Finnish European, 0.0017%; no homozygotes.

Submissions (3):

Ambry Genetics
Classification: Uncertain significance for Cardiovascular phenotype. Last evaluated: 2025-10-14. Review status: criteria provided, single submitter. Criteria: Ambry Variant Classification Scheme 2023. Collection method: clinical testing. Allele origin: germline.
Comment: The p.K595Q variant (also known as c.1783A>C), located in coding exon 18 of the EYA4 gene, results from an A to C substitution at nucleotide position 1783. The lysine at codon 595 is replaced by glutamine, an amino acid with similar properties. This amino acid position is highly conserved in available vertebrate species. In addition, this alteration is predicted to be deleterious by in silico analysis. Since supporting evidence is limited at this time, the clinical significance of this alteration remains unclear.

Labcorp Genetics (formerly Invitae), Labcorp
Classification: Uncertain significance for Dilated cardiomyopathy 1J. Last evaluated: 2025-01-07. Review status: criteria provided, single submitter. Criteria: Invitae Variant Classification Sherloc (09022015). Collection method: clinical testing. Allele origin: germline.
Comment: This sequence change replaces lysine, which is basic and polar, with glutamine, which is neutral and polar, at codon 595 of the EYA4 protein (p.Lys595Gln). This variant is present in population databases (no rsID available, gnomAD 0.0009%). This variant has not been reported in the literature in individuals affected with EYA4-related conditions. ClinVar contains an entry for this variant (Variation ID: 959716). Invitae Evidence Modeling of protein sequence and biophysical properties (such as structural, functional, and spatial information, amino acid conservation, physicochemical variation, residue mobility, and thermodynamic stability) has been performed for this missense variant. However, the output from this modeling did not meet the statistical confidence thresholds required to predict the impact of this variant on EYA4 protein function. In summary, the available evidence is currently insufficient to determine the role of this variant in disease. Therefore, it has been classified as a Variant of Uncertain Significance.

AiLife Diagnostics
Classification: Uncertain significance. Last evaluated: 2022-01-06. Review status: criteria provided, single submitter. Criteria: ACMG Guidelines, 2015. Collection method: clinical testing. Allele origin: germline. Affected: yes. Observed: 1 variant allele.